The following is an entry in ClinVar:

NM_002471.4(MYH6):c.4232C>A (p.Ala1411Asp)

Gene: MYH6 (myosin heavy chain 6; minus strand). Cytogenetic location: 14q11.2.
Variant type: single nucleotide variant.
Coding change: c.4232C>A on transcript NM_002471.4 (MANE Select); coding-DNA position 4232, C replaced by A.
Protein change: p.Ala1411Asp; replaces alanine 1411 with aspartic acid.
Molecular consequence: missense variant.
Genome position (GRCh38, 1-based): chr14:23,388,282, G>T on the plus strand (C>A on the coding strand, the complement: MYH6 is on the minus strand). VCF-style: chr14-23388282-G-T. GRCh37 (hg19) VCF-style: chr14-23857491-G-T.
Other names: c.4232C>A (NM_002471.3); short protein forms A1411D.
Identifiers: ClinVar variation 1383173 (VCV001383173.7), dbSNP rs2138588665, ClinGen allele CA388999434.
Genomic context (GRCh38, chr14:23,388,282, plus strand): 5'-ATCAAGTCCTCTATCTCATTCTGTAGCCGGTGCTTGGTCTTCTCCAGTGAGGAGCACTTG[G>T]CATTAACAGCCTCCACGGCCTCCTCGGCATCCTGCAGCCGCTGGGCCAGCTTCTTTCTGC-3'
Protein context (NP_002462.2, residues 1401-1421): DAEEAVEAVN[Ala1411Asp]KCSSLEKTKH

ClinVar aggregate classification (germline): Uncertain significance. Review status: criteria provided, multiple submitters, no conflicts (2 of 4 stars). 2 submissions from 2 submitters: Uncertain significance (2). Last evaluated 2025-03-08.

Conditions:
Hypertrophic cardiomyopathy 14. Identifiers: MedGen C2750467, MONDO:0013197, OMIM 613251.
Cardiovascular phenotype. Identifiers: MedGen CN230736.

Submissions (2):

Ambry Genetics
Classification: Uncertain significance for Cardiovascular phenotype. Last evaluated: 2025-03-08. Review status: criteria provided, single submitter. Criteria: Ambry Variant Classification Scheme 2023. Collection method: clinical testing. Allele origin: germline.

Labcorp Genetics (formerly Invitae), Labcorp
Classification: Uncertain significance for Hypertrophic cardiomyopathy 14. Last evaluated: 2021-09-25. Review status: criteria provided, single submitter. Criteria: Invitae Variant Classification Sherloc (09022015). Collection method: clinical testing. Allele origin: germline.
Comment: In summary, the available evidence is currently insufficient to determine the role of this variant in disease. Therefore, it has been classified as a Variant of Uncertain Significance. Algorithms developed to predict the effect of missense changes on protein structure and function are either unavailable or do not agree on the potential impact of this missense change (SIFT: "Tolerated"; PolyPhen-2: "Probably Damaging"; Align-GVGD: "Class C0"). This variant has not been reported in the literature in individuals affected with MYH6-related conditions. This variant is not present in population databases (ExAC no frequency). This sequence change replaces alanine with aspartic acid at codon 1411 of the MYH6 protein (p.Ala1411Asp). The alanine residue is weakly conserved and there is a moderate physicochemical difference between alanine and aspartic acid.